The following is an entry in ClinVar:

NM_002439.5(MSH3):c.2107T>C (p.Phe703Leu)

Gene: MSH3 (mutS homolog 3; plus strand). Cytogenetic location: 5q14.1.
Variant type: single nucleotide variant.
Coding change: c.2107T>C on transcript NM_002439.5 (MANE Select); coding-DNA position 2107, T replaced by C.
Protein change: p.Phe703Leu; replaces phenylalanine 703 with leucine.
Molecular consequence: missense variant.
Genome position (GRCh38, 1-based): chr5:80,768,857, T>C. VCF-style: chr5-80768857-T-C. GRCh37 (hg19) VCF-style: chr5-80064676-T-C.
Other names: short protein forms F703L.
Identifiers: ClinVar variation 1692668 (VCV001692668.4), dbSNP rs1487268212, ClinGen allele CA360279245.

ClinVar aggregate classification (germline): Uncertain significance. Review status: criteria provided, multiple submitters, no conflicts (2 of 4 stars). 2 submissions from 2 submitters: Uncertain significance (2). Last evaluated 2023-07-12.

Conditions:
Hereditary cancer-predisposing syndrome. Also called: Hereditary Cancer Syndrome; Hereditary neoplastic syndrome; Neoplastic Syndromes, Hereditary; Tumor predisposition. Identifiers: Orphanet 140162, MedGen C0027672, MeSH D009386, MONDO:0015356.

gnomAD v4.1: 7 of 1,609,836 alleles (0.00043%); highest among the groups gnomAD compares: Non-Finnish European, 0.00059%; no homozygotes.

Submissions (2):

Ambry Genetics
Classification: Uncertain significance for Hereditary cancer-predisposing syndrome. Last evaluated: 2023-07-12. Review status: criteria provided, single submitter. Criteria: Ambry Variant Classification Scheme 2023. Collection method: clinical testing. Allele origin: germline.
Comment: The p.F703L variant (also known as c.2107T>C), located in coding exon 15 of the MSH3 gene, results from a T to C substitution at nucleotide position 2107. The phenylalanine at codon 703 is replaced by leucine, an amino acid with highly similar properties. This amino acid position is highly conserved in available vertebrate species. In addition, the in silico prediction for this alteration is inconclusive. Since supporting evidence is limited at this time, the clinical significance of this alteration remains unclear.

Sema4
Classification: Uncertain significance for Hereditary cancer-predisposing syndrome. Last evaluated: 2021-07-09. Review status: criteria provided, single submitter. Criteria: Sema4 Curation Guidelines. Collection method: curation. Allele origin: germline.
Comment: The MSH3 c.2107T>C (p.F703L) variant has not been reported in the literature to our knowledge. It was not observed in the large and broad cohorts of the Genome Aggregation Database (PMID: 32461654), nor has it been reported in ClinVar. In silico tools suggest the impact of the variant on protein function is inconclusive, though these predictions have not been confirmed by functional studies. The evidence is insufficient to meet ACMG/AMP criteria for classifying the variant as benign or pathogenic. Thus, the clinical significance of this variant is currently uncertain.